The following is an entry in ClinVar:

ClinVar aggregate classification (germline): Conflicting classifications of pathogenicity. Review status: criteria provided, conflicting classifications (1 of 4 stars). 4 submissions from 4 submitters: Uncertain significance (3); Likely benign (1). Last evaluated 2025-12-15.

Conditions:
Hereditary cancer-predisposing syndrome. Also called: Neoplastic Syndromes, Hereditary; Tumor predisposition; Hereditary neoplastic syndrome; Hereditary Cancer Syndrome. Identifiers: Orphanet 140162, MedGen C0027672, MeSH D009386, MONDO:0015356.
Familial cancer of breast. Also called: BREAST CANCER, FAMILIAL; hereditary breast carcinoma; Hereditary breast cancer. Identifiers: Orphanet 227535, MedGen C0346153, MONDO:0016419, OMIM 114480. Disease mechanism: loss of function.

Allele frequency attached by ClinVar (database versions not stated): gnomAD exomes below 0.00001; ExAC 0.00001.
gnomAD v4.1: 3 of 1,614,118 alleles (0.00019%); highest among the groups gnomAD compares: South Asian, 0.0022%; no homozygotes.

Submissions (4):

Ambry Genetics
Classification: Likely benign for Hereditary cancer-predisposing syndrome. Last evaluated: 2025-12-15. Review status: criteria provided, single submitter. Criteria: Ambry Variant Classification Scheme 2023. Collection method: clinical testing. Allele origin: germline.

Labcorp Genetics (formerly Invitae), Labcorp
Classification: Uncertain significance for Familial cancer of breast. Last evaluated: 2024-06-16. Review status: criteria provided, single submitter. Criteria: Invitae Variant Classification Sherloc (09022015). Collection method: clinical testing. Allele origin: germline.
Comment: This sequence change replaces isoleucine, which is neutral and non-polar, with methionine, which is neutral and non-polar, at codon 44 of the PALB2 protein (p.Ile44Met). This variant is present in population databases (rs756856792, gnomAD 0.003%). This variant has not been reported in the literature in individuals affected with PALB2-related conditions. ClinVar contains an entry for this variant (Variation ID: 460889). An algorithm developed to predict the effect of missense changes on protein structure and function (PolyPhen-2) suggests that this variant is likely to be disruptive. In summary, the available evidence is currently insufficient to determine the role of this variant in disease. Therefore, it has been classified as a Variant of Uncertain Significance.

Color Diagnostics, LLC DBA Color Health
Classification: Uncertain significance for Hereditary cancer-predisposing syndrome. Last evaluated: 2024-03-06. Review status: criteria provided, single submitter. Criteria: ACMG Guidelines, 2015. Collection method: clinical testing. Allele origin: germline.
Comment: This missense variant replaces isoleucine with methionine at codon 44 of the PALB2 protein. Computational prediction suggests that this variant may not impact protein structure and function (internally defined REVEL score threshold <= 0.5, PMID: 27666373). Splice site prediction tools suggest that this variant may not impact RNA splicing. To our knowledge, functional studies have not been performed for this variant. This variant has not been reported in individuals affected with hereditary cancer in the literature. This variant has been identified in 1/251474 chromosomes in the general population by the Genome Aggregation Database (gnomAD). The available evidence is insufficient to determine the role of this variant in disease conclusively. Therefore, this variant is classified as a Variant of Uncertain Significance.

Women's Health and Genetics/Laboratory Corporation of America, LabCorp
Classification: Uncertain significance. Last evaluated: 2019-01-02. Review status: criteria provided, single submitter. Criteria: LabCorp Variant Classification Summary - May 2015. Collection method: clinical testing. Allele origin: germline.
Comment: Variant summary: PALB2 c.132T>G (p.Ile44Met) results in a conservative amino acid change in the encoded protein sequence. Five of five in-silico tools predict a benign effect of the variant on protein function. The variant allele was found at a frequency of 4.1e-06 in 246260 control chromosomes (gnomAD). The available data on variant occurrences in the general population are insufficient to allow any conclusion about variant significance. To our knowledge, no occurrence of c.132T>G in individuals affected with Hereditary Breast and Ovarian Cancer and no experimental evidence demonstrating its impact on protein function have been reported. Two ClinVar submissions from other clinical diagnostic laboratories (evaluation after 2014) cite the variant as uncertain significance. Based on the evidence outlined above, the variant was classified as uncertain significance.

NM_024675.4(PALB2):c.132T>G (p.Ile44Met)

Gene: PALB2 (partner and localizer of BRCA2; minus strand). Cytogenetic location: 16p12.2.
Variant type: single nucleotide variant.
Coding change: c.132T>G on transcript NM_024675.4 (MANE Select); coding-DNA position 132, T replaced by G.
Protein change: p.Ile44Met; replaces isoleucine 44 with methionine.
Molecular consequence: missense variant.
Genome position (GRCh38, 1-based): chr16:23,637,929, A>C on the plus strand (T>G on the coding strand, the complement: PALB2 is on the minus strand). VCF-style: chr16-23637929-A-C. GRCh37 (hg19) VCF-style: chr16-23649250-A-C.
Other names: short protein forms I44M.
Identifiers: ClinVar variation 460889 (VCV000460889.20), dbSNP rs756856792, ClinGen allele CA7963835.
Genomic context (GRCh38, chr16:23,637,929, plus strand): 5'-TGAGAGATCCTGCTGAGACAAACAATCTTGTTCTTCTACTGTTTTCTTAATAGAATGCTT[A>C]ATCTTTTCAGCTCTTTGGGCACGCTAGAGGAGACAAAAACAGCCCCAGAAATACGTTTTC-3'
Protein context (NP_078951.2, residues 34-54): RLQRAQRAEK[Ile44Met]KHSIKKTVEE